The following is an entry in ClinVar:

ClinVar aggregate classification (germline): Benign (1 of 4 stars; one submission).

Conditions:
Seizures, benign familial neonatal, 2. Also called: CONVULSIONS, BENIGN FAMILIAL NEONATAL, 2; KCNQ3-Related Self-Limited Familial Neonatal Epilepsy (SLFNE); Benign Neonatal Epilepsy 2; KCNQ3-Related Benign Familial Neonatal Epilepsy; Seizures, benign neonatal, 2. Identifiers: Orphanet 1949, MedGen C1852581, MONDO:0007366, OMIM 121201.

Allele frequency attached by ClinVar (database versions not stated): 1000 Genomes Project 30x 0.00047; gnomAD 0.00184 and 0.00183; 1000 Genomes Project 0.00040; TOPMed 0.00233.

Submission:

Illumina Laboratory Services, Illumina
Classification: Benign for Seizures, benign familial neonatal, 2. Last evaluated: 2018-01-12. Review status: criteria provided, single submitter. Criteria: ICSL Variant Classification Criteria 13 December 2019. Collection method: clinical testing. Allele origin: germline.
Comment: This variant was observed in the ICSL laboratory as part of a predisposition screen in an ostensibly healthy population. It had not been previously curated by ICSL or reported in the Human Gene Mutation Database (HGMD: prior to June 1st, 2018), and was therefore a candidate for classification through an automated scoring system. Utilizing variant allele frequency, disease prevalence and penetrance estimates, and inheritance mode, an automated score was calculated to assess if this variant is too frequent to cause the disease. Based on the score and internal cut-off values, a variant classified as benign is not then subjected to further curation. The score for this variant resulted in a classification of benign for this disease.

NM_004519.4(KCNQ3):c.*4043C>T

Gene: KCNQ3 (potassium voltage-gated channel subfamily Q member 3; minus strand). Cytogenetic location: 8q24.22.
Variant type: single nucleotide variant.
Coding change: c.*4043C>T on transcript NM_004519.4 (MANE Select); 4043 bases downstream of the stop codon, C replaced by T.
Molecular consequence: 3 prime UTR variant.
Genome position (GRCh38, 1-based): chr8:132,125,219, G>A on the plus strand (C>T on the coding strand, the complement: KCNQ3 is on the minus strand). VCF-style: chr8-132125219-G-A. GRCh37 (hg19) VCF-style: chr8-133137466-G-A.
Other names: c.*4043C>T (NM_001204824.2).
Identifiers: ClinVar variation 361811 (VCV000361811.6), dbSNP rs117527951, ClinGen allele CA10630183.